The following is an entry in ClinVar:

ClinVar aggregate classification (germline): Uncertain significance (1 of 4 stars; one submission).

Conditions:
Cardiovascular phenotype. Identifiers: MedGen CN230736.

gnomAD v4.1: 2 of 1,609,230 alleles (0.00012%); highest among the groups gnomAD compares: Non-Finnish European, 0.00017%; no homozygotes.

Submission:

Ambry Genetics
Classification: Uncertain significance for Cardiovascular phenotype. Last evaluated: 2026-08-16. Review status: criteria provided, single submitter. Criteria: Ambry Variant Classification Scheme 2023. Collection method: clinical testing. Allele origin: germline.
Comment: The p.C67G variant (also known as c.199T>G), located in coding exon 2 of the LAMA4 gene, results from a T to G substitution at nucleotide position 199. The cysteine at codon 67 is replaced by glycine, an amino acid with highly dissimilar properties. This amino acid position is conserved. In addition, this alteration is predicted to be deleterious by in silico analysis. Based on the available evidence, the clinical significance of this variant remains unclear.

NM_001105206.3(LAMA4):c.199T>G (p.Cys67Gly)

Gene: LAMA4 (laminin subunit alpha 4; minus strand). Cytogenetic location: 6q21.
Variant type: single nucleotide variant.
Coding change: c.199T>G on transcript NM_001105206.3 (MANE Select); coding-DNA position 199, T replaced by G.
Protein change: p.Cys67Gly; replaces cysteine 67 with glycine.
Molecular consequence: missense variant.
Genome position (GRCh38, 1-based): chr6:112,216,466, A>C on the plus strand (T>G on the coding strand, the complement: LAMA4 is on the minus strand). VCF-style: chr6-112216466-A-C. GRCh37 (hg19) VCF-style: chr6-112537667-A-C.
Other names: c.199T>G, p.Cys67Gly (NM_001105207.3, NM_002290.5); short protein forms C67G.
Identifiers: ClinVar variation 4096226 (VCV004096226.2).